The following is an entry in ClinVar:

NM_006876.3(B4GAT1):c.1151C>G (p.Pro384Arg)

Gene: B4GAT1 (beta-1,4-glucuronyltransferase 1; minus strand). Cytogenetic location: 11q13.2.
Variant type: single nucleotide variant.
Coding change: c.1151C>G on transcript NM_006876.3 (MANE Select); coding-DNA position 1151, C replaced by G.
Protein change: p.Pro384Arg; replaces proline 384 with arginine.
Molecular consequence: missense variant.
Genome position (GRCh38, 1-based): chr11:66,346,146, G>C on the plus strand (C>G on the coding strand, the complement: B4GAT1 is on the minus strand). VCF-style: chr11-66346146-G-C. GRCh37 (hg19) VCF-style: chr11-66113617-G-C.
Other names: short protein forms P384R.
Identifiers: ClinVar variation 1438892 (VCV001438892.8), dbSNP rs1443678248, ClinGen allele CA381416836.

ClinVar aggregate classification (germline): Uncertain significance (1 of 4 stars; one submission).

Conditions:
Muscular dystrophy-dystroglycanopathy (congenital with brain and eye anomalies), type A13. Also called: WALKER-WARBURG SYNDROME OR MUSCLE-EYE-BRAIN DISEASE, B3GNT1-RELATED; Muscular dystrophy-dystroglycanopathy (congenital with brain and eye anomalies), type a, 13. Identifiers: Orphanet 899, MedGen C3809042, MONDO:0014120, OMIM 615287.

Allele frequency attached by ClinVar (database versions not stated): TOPMed 0.00001.
gnomAD v4.1: 1 of 1,614,074 alleles (0.000062%); highest among the groups gnomAD compares: Non-Finnish European, 0.000085%; no homozygotes.

Submission:

Labcorp Genetics (formerly Invitae), Labcorp
Classification: Uncertain significance for Muscular dystrophy-dystroglycanopathy (congenital with brain and eye anomalies), type A13. Last evaluated: 2021-02-24. Review status: criteria provided, single submitter. Criteria: Invitae Variant Classification Sherloc (09022015). Collection method: clinical testing. Allele origin: germline.
Comment: In summary, the available evidence is currently insufficient to determine the role of this variant in disease. Therefore, it has been classified as a Variant of Uncertain Significance. Algorithms developed to predict the effect of missense changes on protein structure and function (SIFT, PolyPhen-2, Align-GVGD) all suggest that this variant is likely to be tolerated, but these predictions have not been confirmed by published functional studies and their clinical significance is uncertain. This sequence change replaces proline with arginine at codon 384 of the B4GAT1 protein (p.Pro384Arg). The proline residue is moderately conserved and there is a moderate physicochemical difference between proline and arginine. This variant is not present in population databases (ExAC no frequency). This variant has not been reported in the literature in individuals with B4GAT1-related conditions.